The following is an entry in ClinVar:

NM_001206927.2(DNAH8):c.8259+1G>A

Gene: DNAH8 (dynein axonemal heavy chain 8; plus strand). Cytogenetic location: 6p21.2.
Variant type: single nucleotide variant.
Coding change: c.8259+1G>A on transcript NM_001206927.2 (MANE Select); the canonical splice donor site of the intron after coding-DNA position 8259, G replaced by A.
Molecular consequence: splice donor variant.
Genome position (GRCh38, 1-based): chr6:38,883,999, G>A. VCF-style: chr6-38883999-G-A. GRCh37 (hg19) VCF-style: chr6-38851775-G-A.
Other names: c.7608+1G>A (NM_001371.4).
Identifiers: ClinVar variation 2851382 (VCV002851382.3), dbSNP rs2533212514, ClinGen allele CA363992560.

ClinVar aggregate classification (germline): Likely pathogenic (1 of 4 stars; one submission).

Conditions:
Primary ciliary dyskinesia. Also called: Ciliary dyskinesia. Identifiers: Orphanet 244, MedGen C0008780, MONDO:0016575, HP:0012265.

Allele frequency attached by ClinVar (database versions not stated): gnomAD exomes below 0.00001.
gnomAD v4.1: 3 of 1,537,924 alleles (0.0002%); highest among the groups gnomAD compares: Non-Finnish European, 0.00026%; no homozygotes.

Submission:

Labcorp Genetics (formerly Invitae), Labcorp
Classification: Likely pathogenic for Primary ciliary dyskinesia. Last evaluated: 2023-05-23. Review status: criteria provided, single submitter. Criteria: Invitae Variant Classification Sherloc (09022015). Collection method: clinical testing. Allele origin: germline.
Comment: In summary, the currently available evidence indicates that the variant is pathogenic, but additional data are needed to prove that conclusively. Therefore, this variant has been classified as Likely Pathogenic. Algorithms developed to predict the effect of sequence changes on RNA splicing suggest that this variant may disrupt the consensus splice site. This variant has not been reported in the literature in individuals affected with DNAH8-related conditions. This variant is not present in population databases (gnomAD no frequency). This sequence change affects a donor splice site in intron 56 of the DNAH8 gene. It is expected to disrupt RNA splicing. Variants that disrupt the donor or acceptor splice site typically lead to a loss of protein function (PMID: 16199547), and loss-of-function variants in DNAH8 are known to be pathogenic (PMID: 24307375, 32619401, 32681648).

Literature cited by the submitters: PubMed 16199547; PubMed 24307375; PubMed 32619401; PubMed 32681648.